The following is an entry in ClinVar:

NM_014053.4(FLVCR1):c.71C>T (p.Pro24Leu)

Genes: FLVCR1 (FLVCR choline and heme transporter 1; plus strand), LOC129932486 (ATAC-STARR-seq lymphoblastoid silent region 1807; plus strand). Cytogenetic location: 1q32.3.
Variant type: single nucleotide variant.
Coding change: c.71C>T on transcript NM_014053.4 (MANE Select); coding-DNA position 71, C replaced by T.
Protein change: p.Pro24Leu; replaces proline 24 with leucine.
Molecular consequence: missense variant.
Genome position (GRCh38, 1-based): chr1:212,858,523, C>T. VCF-style: chr1-212858523-C-T. GRCh37 (hg19) VCF-style: chr1-213031865-C-T.
Other names: p.Pro24Leu; short protein forms P24L.
Identifiers: ClinVar variation 804814 (VCV000804814.9), dbSNP rs562153726, ClinGen allele CA1385831.

ClinVar aggregate classification (germline): Uncertain significance. Review status: criteria provided, multiple submitters, no conflicts (2 of 4 stars). 5 submissions from 5 submitters: Uncertain significance (5). Last evaluated 2026-01-06.

Conditions:
FLVCR1-related disorder. Also called: FLVCR1-related condition.
Inborn genetic diseases. Identifiers: MedGen C0950123, MeSH D030342.

Allele frequency attached by ClinVar (database versions not stated): gnomAD 0.00011 and 0.00012; 1000 Genomes Project 0.00020; 1000 Genomes Project 30x 0.00031; ExAC 0.00068; gnomAD exomes 0.00008; TOPMed 0.00008.
gnomAD v4.1: 153 of 1,459,654 alleles (0.01%); highest among the groups gnomAD compares: Non-Finnish European, 0.013%; no homozygotes.

Submissions (5):

PreventionGenetics, part of Exact Sciences
Classification: Uncertain significance for FLVCR1-related condition. Last evaluated: 2026-01-06. Review status: criteria provided, single submitter. Criteria: ACMG Guidelines, 2015. Collection method: clinical testing. Allele origin: germline.
Comment: The FLVCR1 c.71C>T variant is predicted to result in the amino acid substitution p.Pro24Leu. To our knowledge, this variant has not been reported in the literature. This variant is reported in 0.029% of alleles in individuals of European (Non-Finnish) descent in gnomAD. At this time, the clinical significance of this variant is uncertain due to the absence of conclusive functional and genetic evidence.

Ambry Genetics
Classification: Uncertain significance for Inborn genetic diseases. Last evaluated: 2024-05-30. Review status: criteria provided, single submitter. Criteria: Ambry Variant Classification Scheme 2023. Collection method: clinical testing. Allele origin: germline.

Labcorp Genetics (formerly Invitae), Labcorp
Classification: Uncertain significance. Last evaluated: 2023-10-03. Review status: criteria provided, single submitter. Criteria: Invitae Variant Classification Sherloc (09022015). Collection method: clinical testing. Allele origin: germline.
Comment: This sequence change replaces proline, which is neutral and non-polar, with leucine, which is neutral and non-polar, at codon 24 of the FLVCR1 protein (p.Pro24Leu). This variant is present in population databases (rs562153726, gnomAD 0.03%). This variant has not been reported in the literature in individuals affected with FLVCR1-related conditions. ClinVar contains an entry for this variant (Variation ID: 804814). Algorithms developed to predict the effect of missense changes on protein structure and function output the following: SIFT: "Not Available"; PolyPhen-2: "Benign"; Align-GVGD: "Not Available". The leucine amino acid residue is found in multiple mammalian species, which suggests that this missense change does not adversely affect protein function. In summary, the available evidence is currently insufficient to determine the role of this variant in disease. Therefore, it has been classified as a Variant of Uncertain Significance.

Mayo Clinic Laboratories, Mayo Clinic
Classification: Uncertain significance. Last evaluated: 2022-02-09. Review status: criteria provided, single submitter. Criteria: ACMG Guidelines, 2015. Collection method: clinical testing. Allele origin: germline. Observed: 1 variant allele.
Comment: BP4

Athena Diagnostics
Classification: Uncertain significance. Last evaluated: 2019-07-05. Review status: criteria provided, single submitter. Criteria: Athena Diagnostics Criteria. Collection method: clinical testing. Allele origin: germline.